The following is an entry in ClinVar:

ClinVar aggregate classification (germline): Benign/Likely benign. Review status: criteria provided, multiple submitters, no conflicts (2 of 4 stars). 4 submissions from 4 submitters: Benign (1); Likely benign (3). Last evaluated 2025-01-06.

Conditions:
Hereditary nonpolyposis colorectal neoplasms. Identifiers: MedGen C0009405, MeSH D003123.
Hereditary cancer-predisposing syndrome. Also called: Neoplastic Syndromes, Hereditary; Tumor predisposition; Hereditary neoplastic syndrome; Hereditary Cancer Syndrome. Identifiers: Orphanet 140162, MedGen C0027672, MeSH D009386, MONDO:0015356.
Lynch syndrome 5 (LYNCH5). Also called: Colorectal cancer, hereditary nonpolyposis, type 5; Hereditary non-polyposis colorectal cancer, type 5. Identifiers: Orphanet 144, MedGen C1833477, MONDO:0013710, OMIM 614350. Disease mechanism: loss of function.

Allele frequency attached by ClinVar (database versions not stated): gnomAD exomes below 0.00001.
gnomAD v4.1: 3 of 1,614,182 alleles (0.00019%); highest among the groups gnomAD compares: Non-Finnish European, 0.00025%; no homozygotes.

Submissions (4):

Myriad Genetics, Inc.
Classification: Benign for Lynch syndrome 5. Last evaluated: 2025-01-06. Review status: criteria provided, single submitter. Criteria: Myriad Autosomal Dominant, Autosomal Recessive and X-Linked Classification Criteria (2023). Collection method: clinical testing. Allele origin: unknown.
Comment: This variant is considered benign. This variant is a silent/synonymous amino acid change and it is not expected to impact splicing.

Labcorp Genetics (formerly Invitae), Labcorp
Classification: Likely benign for Hereditary nonpolyposis colorectal neoplasms. Last evaluated: 2023-12-03. Review status: criteria provided, single submitter. Criteria: Invitae Variant Classification Sherloc (09022015). Collection method: clinical testing. Allele origin: germline.

Ambry Genetics
Classification: Likely benign for Hereditary cancer-predisposing syndrome. Last evaluated: 2023-09-11. Review status: criteria provided, single submitter. Criteria: Ambry Variant Classification Scheme 2023. Collection method: clinical testing. Allele origin: germline.

GeneDx
Classification: Likely benign. Last evaluated: 2018-04-18. Review status: criteria provided, single submitter. Criteria: GeneDx Variant Classification (06012015). Collection method: clinical testing. Allele origin: germline. Affected: yes.
Comment: This variant is considered likely benign or benign based on one or more of the following criteria: it is a conservative change, it occurs at a poorly conserved position in the protein, it is predicted to be benign by multiple in silico algorithms, and/or has population frequency not consistent with disease.

NM_000179.3(MSH6):c.3276A>G (p.Lys1092=)

Gene: MSH6 (mutS homolog 6; plus strand). Cytogenetic location: 2p16.3.
Variant type: single nucleotide variant.
Coding change: c.3276A>G on transcript NM_000179.3 (MANE Select); coding-DNA position 3276, A replaced by G.
Protein change: p.Lys1092=; no amino-acid change (lysine 1092 retained).
Molecular consequence: synonymous variant.
Genome position (GRCh38, 1-based): chr2:47,803,523, A>G. VCF-style: chr2-47803523-A-G. GRCh37 (hg19) VCF-style: chr2-48030662-A-G.
Other names: c.2886A>G, p.Lys962= (NM_001281492.2); c.2370A>G, p.Lys790= (NM_001281493.2, NM_001281494.2).
Identifiers: ClinVar variation 682341 (VCV000682341.7), dbSNP rs1572735435, ClinGen allele CA426121887.